The following is an entry in ClinVar:

NM_000059.4(BRCA2):c.9516T>C (p.Leu3172=)

Gene: BRCA2 (BRCA2 DNA repair associated; plus strand). Cytogenetic location: 13q13.1.
Variant type: single nucleotide variant.
Coding change: c.9516T>C on transcript NM_000059.4 (MANE Select); coding-DNA position 9516, T replaced by C.
Protein change: p.Leu3172=; no amino-acid change (leucine 3172 retained).
Molecular consequence: synonymous variant.
Genome position (GRCh38, 1-based): chr13:32,396,912, T>C. VCF-style: chr13-32396912-T-C. GRCh37 (hg19) VCF-style: chr13-32971049-T-C.
Identifiers: ClinVar variation 427523 (VCV000427523.3), dbSNP rs751515572, ClinGen allele CA6941409.
Genomic context (GRCh38, chr13:32,396,912, plus strand): 5'-TGTGGGTTTGCAATTTATAAAGCAGCTTTTCCACTTATTTTCTTAGAATATTGACATACT[T>C]TGCAATGAAGCAGAAAACAAGCTTATGCATATACTGCATGCAAATGATCCCAAGTGGTCC-3'
Protein context (NP_000050.3, residues 3162-3182): MKNTVENIDI[Leu3172=]CNEAENKLMH

ClinVar aggregate classification (germline): Likely benign (3 of 4 stars; one submission).

Conditions:
Breast-ovarian cancer, familial, susceptibility to, 2 (BROVCA2). Also called: BRCA2 Hereditary Breast and Ovarian Cancer. Identifiers: Orphanet 145, MedGen C2675520, MONDO:0012933, OMIM 612555. Disease mechanism: loss of function.

Allele frequency attached by ClinVar (database versions not stated): gnomAD exomes below 0.00001; ExAC 0.00001.
gnomAD v4.1: 2 of 1,614,106 alleles (0.00012%); highest among the groups gnomAD compares: South Asian, 0.0011%; no homozygotes.

Submission:

Evidence-based Network for the Interpretation of Germline Mutant Alleles (ENIGMA)
Classification: Likely benign for Breast-ovarian cancer, familial, susceptibility to, 2. Last evaluated: 2017-06-29. Review status: reviewed by expert panel. Criteria: ENIGMA BRCA1/2 Classification Criteria (2017-06-29). Collection method: curation. Allele origin: germline.
Comment: Synonymous substitution variant, with low bioinformatic likelihood to result in a splicing aberration (Splicing prior probability 0.02).